The following is an entry in ClinVar:

ClinVar aggregate classification (germline): Conflicting classifications of pathogenicity. Review status: criteria provided, conflicting classifications (1 of 4 stars). 3 submissions from 3 submitters: Pathogenic (1); Uncertain significance (2). Last evaluated 2026-03-02.

Conditions:
Retinitis pigmentosa 26 (RP26). Identifiers: Orphanet 791, MedGen C1842127, MONDO:0012024, OMIM 608380.

Submissions (3):

Myriad Genetics, Inc.
Classification: Uncertain significance for Retinitis pigmentosa 26. Last evaluated: 2026-03-02. Review status: criteria provided, single submitter. Criteria: Myriad Autosomal Dominant, Autosomal Recessive and X-Linked Classification Criteria (2023). Collection method: clinical testing. Allele origin: unknown.
Comment: NM_001030311.2(CERKL):c.674A>T(D225V) is a missense variant classified as a variant of uncertain significance in the context of retinitis pigmentosa, CERKL-related. D225V has been observed in a case with relevant disease (PMID: 25326637). Relevant functional assessments of this variant are not available in the literature. D225V has not been observed in referenced population frequency databases. In summary, there is insufficient evidence to classify NM_001030311.2(CERKL):c.674A>T(D225V) as pathogenic or benign. Please note: this variant was assessed in the context of healthy population screening.

Labcorp Genetics (formerly Invitae), Labcorp
Classification: Pathogenic. Last evaluated: 2025-09-02. Review status: criteria provided, single submitter. Criteria: Invitae Variant Classification Sherloc (09022015). Collection method: clinical testing. Allele origin: germline.
Comment: This sequence change replaces aspartic acid, which is acidic and polar, with valine, which is neutral and non-polar, at codon 225 of the CERKL protein (p.Asp225Val). This variant is not present in population databases (gnomAD no frequency). This missense change has been observed in individual(s) with retinitis pigmentosa (PMID: 25326637; internal data). In at least one individual the data is consistent with being in trans (on the opposite chromosome) from a pathogenic variant. ClinVar contains an entry for this variant (Variation ID: 242528). Invitae Evidence Modeling of protein sequence and biophysical properties (such as structural, functional, and spatial information, amino acid conservation, physicochemical variation, residue mobility, and thermodynamic stability) indicates that this missense variant is expected to disrupt CERKL protein function with a positive predictive value of 95%. For these reasons, this variant has been classified as Pathogenic.

Women's Health and Genetics/Laboratory Corporation of America, LabCorp
Classification: Uncertain significance. Last evaluated: 2025-08-01. Review status: criteria provided, single submitter. Criteria: LabCorp Variant Classification Summary - May 2015. Collection method: clinical testing. Allele origin: germline.
Comment: Variant summary: CERKL c.674A>T (p.Asp225Val) results in a non-conservative amino acid change located in the Diacylglycerol kinase catalytic domain (IPR001206) of the encoded protein sequence. Algorithms developed to predict the effect of missense changes on protein structure and function are either unavailable or do not agree on the potential impact of this missense change. The frequency data for this variant in gnomAD is considered unreliable, as metrics indicate poor data quality at this position. c.674A>T has been reported in the literature in multiple individuals affected with Retinitis Pigmentosa, including as a compound heterozygous genotype (e.g. Lee_2014, internal data). These data indicate that the variant may be associated with disease. To our knowledge, no experimental evidence demonstrating an impact on protein function has been reported. The following publication have been ascertained in the context of this evaluation (PMID: 25326637). ClinVar contains an entry for this variant (Variation ID: 242528). Based on the evidence outlined above, the variant was classified as VUS-possibly pathogenic.

Literature cited by the submitters: PubMed 25326637 (cited by 3 submitters).

NM_201548.5(CERKL):c.674A>T (p.Asp225Val)

Gene: CERKL (CERK like autophagy regulator; minus strand). Cytogenetic location: 2q31.3.
Variant type: single nucleotide variant.
Coding change: c.674A>T on transcript NM_201548.5 (MANE Select); coding-DNA position 674, A replaced by T.
Protein change: p.Asp225Val; replaces aspartic acid 225 with valine.
Molecular consequence: missense variant. On other transcripts: intron variant (2).
Genome position (GRCh38, 1-based): chr2:181,566,061, T>A on the plus strand (A>T on the coding strand, the complement: CERKL is on the minus strand). VCF-style: chr2-181566061-T-A. GRCh37 (hg19) VCF-style: chr2-182430788-T-A.
Other names: c.674A>T, p.Asp225Val (NM_001030311.3); c.542A>T, p.Asp181Val (NM_001160277.2); c.482-16353A>T (NM_001030312.3); c.613+7692A>T (NM_001030313.3); short protein forms D225V, D181V.
Identifiers: ClinVar variation 242528 (VCV000242528.13), dbSNP rs863224855, ClinGen allele CA351270.